The following is an entry in ClinVar:

NM_000094.4(COL7A1):c.2341A>G (p.Arg781Gly)

Gene: COL7A1 (collagen type VII alpha 1 chain; minus strand). Cytogenetic location: 3p21.31.
Variant type: single nucleotide variant.
Coding change: c.2341A>G on transcript NM_000094.4 (MANE Select); coding-DNA position 2341, A replaced by G.
Protein change: p.Arg781Gly; replaces arginine 781 with glycine.
Molecular consequence: missense variant.
Genome position (GRCh38, 1-based): chr3:48,588,969, T>C on the plus strand (A>G on the coding strand, the complement: COL7A1 is on the minus strand). VCF-style: chr3-48588969-T-C. GRCh37 (hg19) VCF-style: chr3-48626402-T-C.
Other names: short protein forms R781G.
Identifiers: ClinVar variation 3681028 (VCV003681028.2).

ClinVar aggregate classification (germline): Uncertain significance (1 of 4 stars; one submission).

Submission:

Labcorp Genetics (formerly Invitae), Labcorp
Classification: Uncertain significance. Last evaluated: 2024-06-26. Review status: criteria provided, single submitter. Criteria: Invitae Variant Classification Sherloc (09022015). Collection method: clinical testing. Allele origin: germline.
Comment: This sequence change replaces arginine, which is basic and polar, with glycine, which is neutral and non-polar, at codon 781 of the COL7A1 protein (p.Arg781Gly). This variant is not present in population databases (gnomAD no frequency). This variant has not been reported in the literature in individuals affected with COL7A1-related conditions. Advanced modeling of protein sequence and biophysical properties (such as structural, functional, and spatial information, amino acid conservation, physicochemical variation, residue mobility, and thermodynamic stability) performed at Invitae indicates that this missense variant is not expected to disrupt COL7A1 protein function with a negative predictive value of 95%. In summary, the available evidence is currently insufficient to determine the role of this variant in disease. Therefore, it has been classified as a Variant of Uncertain Significance.